The following is an entry in ClinVar:

ClinVar aggregate classification (germline): Likely pathogenic (1 of 4 stars; one submission).

Conditions:
Multiple acyl-CoA dehydrogenase deficiency (MADD). Also called: Glutaric aciduria, type 2; Glutaric Acidemia type 2; Glutaric acidemia type II; GA 2; ETHYLMALONIC-ADIPICACIDURIA; GA II. Identifiers: Orphanet 26791, MedGen C0268596, MONDO:0009282, OMIM 231680.

Submission:

Labcorp Genetics (formerly Invitae), Labcorp
Classification: Likely pathogenic for Multiple acyl-CoA dehydrogenase deficiency. Last evaluated: 2020-09-15. Review status: criteria provided, single submitter. Criteria: Invitae Variant Classification Sherloc (09022015). Collection method: clinical testing. Allele origin: germline.
Comment: In summary, the currently available evidence indicates that the variant is pathogenic, but additional data are needed to prove that conclusively. Therefore, this variant has been classified as Likely Pathogenic. Donor and acceptor splice site variants typically lead to a loss of protein function (PMID: 16199547), and loss-of-function variants in ETFDH are known to be pathogenic (PMID: 16510302, 23785301). Algorithms developed to predict the effect of sequence changes on RNA splicing suggest that this variant may disrupt the consensus splice site, but this prediction has not been confirmed by published transcriptional studies. This variant has not been reported in the literature in individuals with ETFDH-related conditions. This variant is not present in population databases (ExAC no frequency). This sequence change affects an acceptor splice site in intron 8 of the ETFDH gene. It is expected to disrupt RNA splicing and likely results in an absent or disrupted protein product.

Literature cited by the submitters: PubMed 16199547; PubMed 16510302; PubMed 23785301.

NM_004453.4(ETFDH):c.973-2A>G

Gene: ETFDH (electron transfer flavoprotein dehydrogenase; plus strand). Cytogenetic location: 4q32.1.
Variant type: single nucleotide variant.
Coding change: c.973-2A>G on transcript NM_004453.4 (MANE Select); the canonical splice acceptor site of the intron before coding-DNA position 973, A replaced by G.
Molecular consequence: splice acceptor variant.
Genome position (GRCh38, 1-based): chr4:158,698,985, A>G. VCF-style: chr4-158698985-A-G. GRCh37 (hg19) VCF-style: chr4-159620137-A-G.
Other names: c.832-2A>G (NM_001281737.2); c.790-2A>G (NM_001281738.1).
Identifiers: ClinVar variation 1065926 (VCV001065926.7), dbSNP rs2150312193, ClinGen allele CA358561883.